The following is an entry in ClinVar:

ClinVar aggregate classification (germline): Uncertain significance (1 of 4 stars; one submission).

Submission:

Labcorp Genetics (formerly Invitae), Labcorp
Classification: Uncertain significance. Last evaluated: 2023-09-22. Review status: criteria provided, single submitter. Criteria: Invitae Variant Classification Sherloc (09022015). Collection method: clinical testing. Allele origin: germline.
Comment: This variant, c.1804_1806del, results in the deletion of 1 amino acid(s) of the PDE4D protein (p.Leu602del), but otherwise preserves the integrity of the reading frame. This variant is present in population databases (rs754464616, gnomAD 0.01%). This variant has not been reported in the literature in individuals affected with PDE4D-related conditions. Experimental studies and prediction algorithms are not available or were not evaluated, and the functional significance of this variant is currently unknown. In summary, the available evidence is currently insufficient to determine the role of this variant in disease. Therefore, it has been classified as a Variant of Uncertain Significance.

NM_001104631.2(PDE4D):c.1798CTT[2] (p.Leu602del)

Gene: PDE4D (phosphodiesterase 4D; minus strand). Cytogenetic location: 5q11.2.
Variant type: Microsatellite.
Coding change: c.1798CTT[2] on transcript NM_001104631.2 (MANE Select); two copies in a row of the 3-base unit CTT starting at c.1798; the reference has three copies in a row; one copy, 3 bases deleted.
Protein change: p.Leu602del; deletes leucine 602.
Molecular consequence: inframe deletion.
Genome position (GRCh38, 1-based): chr5:58,976,374-58,976,376, AAG deleted on the plus strand (CTT on the coding strand, the reverse complement: PDE4D is on the minus strand); deleting any 3 consecutive bases within chr5:58,976,374-58,976,384 gives the same sequence; the position shown is the placement nearest the transcript's 3' end. VCF-style (leftmost placement, unchanged base first): chr5-58976373-CAAG-C. GRCh37 (hg19) VCF-style: chr5-58272200-CAAG-C.
Other names: c.1615CTT[2], p.Leu541del (NM_001165899.2, NM_001364599.1); c.1606CTT[2], p.Leu538del (NM_001197218.2); c.1432CTT[2], p.Leu480del (NM_001197219.2); c.1408CTT[2], p.Leu472del (NM_001197220.2); c.892CTT[2], p.Leu300del (NM_001197221.2, NM_001364603.1); c.1126CTT[2], p.Leu378del (NM_001197222.2); c.925CTT[2], p.Leu311del (NM_001197223.2); c.1585CTT[2], p.Leu531del (NM_001349241.2); and 3 more; short protein forms L466del, L602del, L480del, L492del, L531del, L538del, L541del, L346del.
Identifiers: ClinVar variation 2754686 (VCV002754686.3), dbSNP rs754464616, ClinGen allele CA3276010.